The following is an entry in ClinVar:

ClinVar aggregate classification (germline): Uncertain significance (1 of 4 stars; one submission).

gnomAD v4.1: 2 of 1,600,052 alleles (0.00012%); highest among the groups gnomAD compares: Admixed American, 0.0018%; no homozygotes.

Submission:

Labcorp Genetics (formerly Invitae), Labcorp
Classification: Uncertain significance. Last evaluated: 2025-06-12. Review status: criteria provided, single submitter. Criteria: Invitae Variant Classification Sherloc (09022015). Collection method: clinical testing. Allele origin: germline.
Comment: This sequence change replaces glutamic acid, which is acidic and polar, with glycine, which is neutral and non-polar, at codon 304 of the DNAJB11 protein (p.Glu304Gly). This variant is not present in population databases (gnomAD no frequency). This variant has not been reported in the literature in individuals affected with DNAJB11-related conditions. Invitae Evidence Modeling of protein sequence and biophysical properties (such as structural, functional, and spatial information, amino acid conservation, physicochemical variation, residue mobility, and thermodynamic stability) indicates that this missense variant is expected to disrupt DNAJB11 protein function with a positive predictive value of 80%. In summary, the available evidence is currently insufficient to determine the role of this variant in disease. Therefore, it has been classified as a Variant of Uncertain Significance.

NM_016306.6(DNAJB11):c.911A>G (p.Glu304Gly)

Gene: DNAJB11 (DnaJ heat shock protein family (Hsp40) member B11; plus strand). Cytogenetic location: 3q27.3.
Variant type: single nucleotide variant.
Coding change: c.911A>G on transcript NM_016306.6 (MANE Select); coding-DNA position 911, A replaced by G.
Protein change: p.Glu304Gly; replaces glutamic acid 304 with glycine.
Molecular consequence: missense variant. On other transcripts: non-coding transcript variant (6).
Genome position (GRCh38, 1-based): chr3:186,584,488, A>G. VCF-style: chr3-186584488-A-G. GRCh37 (hg19) VCF-style: chr3-186302277-A-G.
Other names: c.635A>G, p.Glu212Gly (NM_001378451.1); short protein forms E304G, E212G.
Identifiers: ClinVar variation 4762303 (VCV004762303.1).